The following is an entry in ClinVar:

NM_019098.5(CNGB3):c.1439G>A (p.Arg480Gln)

Gene: CNGB3 (cyclic nucleotide gated channel subunit beta 3; minus strand). Cytogenetic location: 8q21.3.
Variant type: single nucleotide variant.
Coding change: c.1439G>A on transcript NM_019098.5 (MANE Select); coding-DNA position 1439, G replaced by A.
Protein change: p.Arg480Gln; replaces arginine 480 with glutamine.
Molecular consequence: missense variant.
Genome position (GRCh38, 1-based): chr8:86,628,960, C>T on the plus strand (G>A on the coding strand, the complement: CNGB3 is on the minus strand). VCF-style: chr8-86628960-C-T. GRCh37 (hg19) VCF-style: chr8-87641188-C-T.
Other names: short protein forms R480Q.
Identifiers: ClinVar variation 450060 (VCV000450060.20), dbSNP rs77277189, ClinGen allele CA4800024.

ClinVar aggregate classification (germline): Likely benign. Review status: criteria provided, multiple submitters, no conflicts (2 of 4 stars). 6 submissions from 6 submitters: Likely benign (4). 2 of the submissions do not count toward it. Last evaluated 2026-02-02.

Conditions:
CNGB3-related disorder. Also called: CNGB3-related condition; CNGB3-related disorders. Identifiers: MedGen CN239340.
Achromatopsia. Also called: Rod monochromatism. Identifiers: Orphanet 49382, MedGen C0152200, MONDO:0018852, HP:0011516.

Allele frequency attached by ClinVar (database versions not stated): gnomAD exomes 0.00023 and 0.00055; ExAC 0.00067; gnomAD 0.00219 and 0.00234; 1000 Genomes Project 0.00220; ESP Exome Variant Server 0.00231; TOPMed 0.00272; 1000 Genomes Project 30x 0.00312.
gnomAD v4.1: 681 of 1,613,820 alleles (0.042%); highest among the groups gnomAD compares: African/African-American, 0.74%; 2 homozygotes.

Submissions (6):

Labcorp Genetics (formerly Invitae), Labcorp
Classification: Likely benign. Last evaluated: 2026-02-02. Review status: criteria provided, single submitter. Criteria: Invitae Variant Classification Sherloc (09022015). Collection method: clinical testing. Allele origin: germline.

Blueprint Genetics
Classification: Likely benign. Last evaluated: 2023-12-13. Review status: criteria provided, single submitter. Criteria: ACMG Guidelines, 2015. Collection method: clinical testing. Allele origin: germline.

GeneDx
Classification: Likely benign. Last evaluated: 2020-04-15. Review status: criteria provided, single submitter. Criteria: GeneDx Variant Classification Process June 2021. Collection method: clinical testing. Allele origin: germline. Affected: yes.

Eurofins Ntd Llc (ga)
Classification: Likely benign. Last evaluated: 2018-03-30. Review status: criteria provided, single submitter. Criteria: EGL ClinVar v180209 classification definitions. Collection method: clinical testing. Allele origin: germline. Observed: 1 variant allele, 1 heterozygote.

PreventionGenetics, part of Exact Sciences
Classification: Likely benign for CNGB3-related condition. Last evaluated: 2024-08-21. Review status: no assertion criteria provided. Collection method: clinical testing. Allele origin: germline. Not counted in ClinVar's aggregate classification.
Comment: This variant is classified as likely benign based on ACMG/AMP sequence variant interpretation guidelines (Richards et al. 2015 PMID: 25741868, with internal and published modifications).

Natera, Inc.
Classification: Likely benign for Achromatopsia. Last evaluated: 2020-06-23. Review status: no assertion criteria provided. Collection method: clinical testing. Allele origin: germline. Not counted in ClinVar's aggregate classification.